The following is an entry in ClinVar:

NM_153809.2(TAF1L):c.3797C>G (p.Pro1266Arg)

Gene: TAF1L (TATA-box binding protein associated factor 1 like; minus strand). Cytogenetic location: 9p21.1.
Variant type: single nucleotide variant.
Coding change: c.3797C>G on transcript NM_153809.2 (MANE Select); coding-DNA position 3797, C replaced by G.
Protein change: p.Pro1266Arg; replaces proline 1266 with arginine.
Molecular consequence: missense variant.
Genome position (GRCh38, 1-based): chr9:32,631,783, G>C on the plus strand (C>G on the coding strand, the complement: TAF1L is on the minus strand). VCF-style: chr9-32631783-G-C. GRCh37 (hg19) VCF-style: chr9-32631781-G-C.
Other names: short protein forms P1266R.
Identifiers: ClinVar variation 2659141 (VCV002659141.25), dbSNP rs140558556, ClinGen allele CA5021336.
Genomic context (GRCh38, chr9:32,631,783, plus strand): 5'-CATGCCCCACATTTCAGTTTTAGGTCAGGACGCTCTTTCATTTTCTTGGGCTTCTTCTCA[G>C]GAGGACCCTTAAGCTTCTCCTTTTCCTGGTTCCGCTTAAGCCGCCTCAGTTGCTCTTGAA-3'
Protein context (NP_722516.1, residues 1256-1276): NQEKEKLKGP[Pro1266Arg]EKKPKKMKER

ClinVar aggregate classification (germline): Conflicting classifications of pathogenicity. Review status: criteria provided, conflicting classifications (1 of 4 stars). 2 submissions from 2 submitters: Uncertain significance (1); Likely benign (1). Last evaluated 2023-11-22.

Allele frequency attached by ClinVar (database versions not stated): 1000 Genomes Project 30x 0.00109; 1000 Genomes Project 0.00120; ExAC 0.00144; TOPMed 0.00188; ESP Exome Variant Server 0.00208; gnomAD 0.00210.
gnomAD v4.1: 4,581 of 1,614,154 alleles (0.28%); highest among the groups gnomAD compares: Non-Finnish European, 0.35%; 9 homozygotes.

Submissions (2):

ARUP Laboratories, Molecular Genetics and Genomics, ARUP Laboratories
Classification: Uncertain significance. Last evaluated: 2023-11-22. Review status: criteria provided, single submitter. Criteria: ARUP Molecular Germline Variant Investigation Process 2024. Collection method: clinical testing. Allele origin: germline.

CeGaT Center for Human Genetics Tuebingen
Classification: Likely benign. Last evaluated: 2023-09-01. Review status: criteria provided, single submitter. Criteria: CeGaT Center For Human Genetics Tuebingen Variant Classification Criteria Version 2. Collection method: clinical testing. Allele origin: germline. Affected: yes. Observed: 1 variant allele.
Comment: TAF1L: BP4